The following is an entry in ClinVar:

NM_138694.4(PKHD1):c.11175-2A>G

Gene: PKHD1 (PKHD1 ciliary IPT domain containing fibrocystin/polyductin; minus strand). Cytogenetic location: 6p12.3.
Variant type: single nucleotide variant.
Coding change: c.11175-2A>G on transcript NM_138694.4 (MANE Select); the canonical splice acceptor site of the intron before coding-DNA position 11175, A replaced by G.
Molecular consequence: splice acceptor variant.
Genome position (GRCh38, 1-based): chr6:51,649,222, T>C on the plus strand (A>G on the coding strand, the complement: PKHD1 is on the minus strand). VCF-style: chr6-51649222-T-C. GRCh37 (hg19) VCF-style: chr6-51514020-T-C.
Identifiers: ClinVar variation 2018954 (VCV002018954.4), dbSNP rs2533306617, ClinGen allele CA364426720.
Genomic context (GRCh38, chr6:51,649,222, plus strand): 5'-TGGAAAGTGCATAGGGCCGAATATATATCAAGTTCCCAGTTTTAAAACTGCTTGTATTTC[T>C]GACAGATATAAAAACAAACAAAATACATCCTTAGGATTACACATATCCCTATGGTAGCAA-3'

ClinVar aggregate classification (germline): Likely pathogenic (1 of 4 stars; one submission).

Conditions:
Autosomal recessive polycystic kidney disease (ARPKD). Also called: AR polycystic kidney disease. Identifiers: Orphanet 731, Orphanet 8378, MedGen C0085548, MeSH D017044, MONDO:0009889.

Submission:

Labcorp Genetics (formerly Invitae), Labcorp
Classification: Likely pathogenic for Autosomal recessive polycystic kidney disease. Last evaluated: 2022-08-03. Review status: criteria provided, single submitter. Criteria: Invitae Variant Classification Sherloc (09022015). Collection method: clinical testing. Allele origin: germline.
Comment: This sequence change affects an acceptor splice site in intron 61 of the PKHD1 gene. It is expected to disrupt RNA splicing. Variants that disrupt the donor or acceptor splice site typically lead to a loss of protein function (PMID: 16199547), and loss-of-function variants in PKHD1 are known to be pathogenic (PMID: 19940839). In summary, the currently available evidence indicates that the variant is pathogenic, but additional data are needed to prove that conclusively. Therefore, this variant has been classified as Likely Pathogenic. Algorithms developed to predict the effect of sequence changes on RNA splicing suggest that this variant may disrupt the consensus splice site. This variant has not been reported in the literature in individuals affected with PKHD1-related conditions. This variant is not present in population databases (gnomAD no frequency).

Literature cited by the submitters: PubMed 16199547; PubMed 19940839.